The following is an entry in ClinVar:

NM_005343.4(HRAS):c.-19C>T

Genes: HRAS (HRas proto-oncogene, GTPase; minus strand), LRRC56 (leucine rich repeat containing 56; plus strand). Cytogenetic location: 11p15.5.
Variant type: single nucleotide variant.
Coding change: c.-19C>T on transcript NM_005343.4 (MANE Select); 19 bases upstream of the start codon, C replaced by T.
Molecular consequence: 5 prime UTR variant.
Genome position (GRCh38, 1-based): chr11:534,341, G>A on the plus strand (C>T on the coding strand, the complement: HRAS is on the minus strand). VCF-style: chr11-534341-G-A. GRCh37 (hg19) VCF-style: chr11-534341-G-A.
Other names: c.-19C>T (NM_001130442.3, NM_176795.5); c.-338C>T (NM_001318054.2).
Identifiers: ClinVar variation 561775 (VCV000561775.1), dbSNP rs1187467800, ClinGen allele CA596781869.
Genomic context (GRCh38, chr11:534,341, plus strand): 5'-CACACCGCCGGCGCCCACCACCACCAGCTTATATTCCGTCATCGCTCCTCAGGGGCCTGC[G>A]GCCCGGGGTCCTCCTACAGGGTCTCCTGCCCCACCTGCCAAGGAGGGCCCTGCTCAGCCA-3'

ClinVar aggregate classification (germline): Likely benign (1 of 4 stars; one submission).

Allele frequency attached by ClinVar (database versions not stated): gnomAD exomes below 0.00001 and 0.00001; gnomAD 0.00001; TOPMed 0.00001.
gnomAD v4.1: 8 of 1,595,438 alleles (0.0005%); highest among the groups gnomAD compares: African/African-American, 0.0027%; no homozygotes.

Submission:

GeneDx
Classification: Likely benign. Last evaluated: 2018-03-20. Review status: criteria provided, single submitter. Criteria: GeneDx Variant Classification (06012015). Collection method: clinical testing. Allele origin: germline. Affected: yes.
Comment: This variant is considered likely benign or benign based on one or more of the following criteria: it is a conservative change, it occurs at a poorly conserved position in the protein, it is predicted to be benign by multiple in silico algorithms, and/or has population frequency not consistent with disease.